The following is an entry in ClinVar:

ClinVar aggregate classification (germline): Likely benign (1 of 4 stars; one submission).

Conditions:
Lynch syndrome 5 (LYNCH5). Also called: Colorectal cancer, hereditary nonpolyposis, type 5; Hereditary non-polyposis colorectal cancer, type 5. Identifiers: Orphanet 144, MedGen C1833477, MONDO:0013710, OMIM 614350. Disease mechanism: loss of function.

Submission:

Myriad Genetics, Inc.
Classification: Likely benign for Lynch syndrome 5. Last evaluated: 2024-12-19. Review status: criteria provided, single submitter. Criteria: Myriad Autosomal Dominant, Autosomal Recessive and X-Linked Classification Criteria (2023). Collection method: clinical testing. Allele origin: unknown.
Comment: This variant is considered likely benign. This variant is intronic and is not expected to impact mRNA splicing.

NM_000179.3(MSH6):c.628-20A>G

Gene: MSH6 (mutS homolog 6; plus strand). Cytogenetic location: 2p16.3.
Variant type: single nucleotide variant.
Coding change: c.628-20A>G on transcript NM_000179.3 (MANE Select); 20 bases into the intron before coding-DNA position 628, A replaced by G.
Molecular consequence: intron variant.
Genome position (GRCh38, 1-based): chr2:47,798,591, A>G. VCF-style: chr2-47798591-A-G. GRCh37 (hg19) VCF-style: chr2-48025730-A-G.
Other names: c.628-20A>G (NM_001406809.1, NM_001406796.1, NM_001406808.1 and 4 more transcripts); c.-279-20A>G (NM_001406811.1, NM_001406814.1, NM_001281493.2 and 5 more transcripts); c.331-20A>G (NM_001406805.1, NM_001406797.1, NM_001406801.1 and 10 more transcripts); c.724-20A>G (NM_001406795.1, NM_001406802.1); c.634-20A>G (NM_001406813.1); c.103-20A>G (NM_001406807.1, NM_001406799.1, NM_001406806.1); c.628-2075A>G (NM_001407362.1); c.550-20A>G (NM_001406804.1); and 3 more.
Identifiers: ClinVar variation 3904129 (VCV003904129.1).